The following is an entry in ClinVar:

NM_002382.5(MAX):c.406G>C (p.Gly136Arg)

Gene: MAX (MYC associated transcriptional regulator X; minus strand). Cytogenetic location: 14q23.3.
Variant type: single nucleotide variant.
Coding change: c.406G>C on transcript NM_002382.5 (MANE Select); coding-DNA position 406, G replaced by C.
Protein change: p.Gly136Arg; replaces glycine 136 with arginine.
Molecular consequence: missense variant. On other transcripts: 3 prime UTR variant (1), intron variant (2).
Genome position (GRCh38, 1-based): chr14:65,076,553, C>G on the plus strand (G>C on the coding strand, the complement: MAX is on the minus strand). VCF-style: chr14-65076553-C-G. GRCh37 (hg19) VCF-style: chr14-65543271-C-G.
Other names: c.217G>C, p.Gly73Arg (NM_001320415.2, NM_001407105.1, NM_001407106.1 and 1 more transcripts); c.406G>C, p.Gly136Arg (NM_001407094.1); c.379G>C, p.Gly127Arg (NM_001407095.1, NM_145112.3); c.*179G>C (NM_001407096.1, NM_001407099.1, NM_001407102.1 and 2 more transcripts); c.*195G>C (NM_001407097.1, NM_001407100.1, NM_001407101.1 and 4 more transcripts); c.298G>C, p.Gly100Arg (NM_001407098.1); c.205G>C, p.Gly69Arg (NM_001407111.1, NM_001407112.1); c.144+17155G>C (NM_001271069.2); and 1 more; short protein forms G136R, G127R, G73R, G69R, G100R.
Identifiers: ClinVar variation 1518007 (VCV001518007.13), dbSNP rs140490467, ClinGen allele CA262717088.

ClinVar aggregate classification (germline): Uncertain significance. Review status: criteria provided, multiple submitters, no conflicts (2 of 4 stars). 3 submissions from 3 submitters: Uncertain significance (3). Last evaluated 2024-05-04.

Conditions:
Hereditary pheochromocytoma and paraganglioma. Also called: Hereditary paragangliomas and pheochromocytomas; Hereditary Paraganglioma-Pheochromocytoma Syndromes; Hereditary pheochromocytoma-paraganglioma. Identifiers: Orphanet 29072, MedGen C4274332, MONDO:0017366.
Pheochromocytoma. Also called: MAX-Related Hereditary Paraganglioma-Pheochromocytoma Syndrome. Identifiers: Orphanet 29072, MedGen C0031511, MONDO:0008233, OMIM 171300, HP:0002666.
Hereditary cancer-predisposing syndrome. Also called: Tumor predisposition; Hereditary Cancer Syndrome; Hereditary neoplastic syndrome; Neoplastic Syndromes, Hereditary. Identifiers: Orphanet 140162, MedGen C0027672, MeSH D009386, MONDO:0015356.

gnomAD v4.1: 5 of 1,613,980 alleles (0.00031%); highest among the groups gnomAD compares: African/African-American, 0.0067%; no homozygotes.

Submissions (3):

Ambry Genetics
Classification: Uncertain significance for Hereditary cancer-predisposing syndrome. Last evaluated: 2024-05-04. Review status: criteria provided, single submitter. Criteria: Ambry Variant Classification Scheme 2023. Collection method: clinical testing. Allele origin: germline.
Comment: The p.G136R variant (also known as c.406G>C), located in coding exon 5 of the MAX gene, results from a G to C substitution at nucleotide position 406. The glycine at codon 136 is replaced by arginine, an amino acid with dissimilar properties. This amino acid position is highly conserved in available vertebrate species. In addition, the in silico prediction for this alteration is inconclusive. Since supporting evidence is limited at this time, the clinical significance of this alteration remains unclear.

Baylor Genetics
Classification: Uncertain significance for Pheochromocytoma. Last evaluated: 2023-10-26. Review status: criteria provided, single submitter. Criteria: ACMG Guidelines, 2015. Collection method: clinical testing. Allele origin: unknown.

Labcorp Genetics (formerly Invitae), Labcorp
Classification: Uncertain significance for Hereditary pheochromocytoma and paraganglioma. Last evaluated: 2023-05-01. Review status: criteria provided, single submitter. Criteria: Invitae Variant Classification Sherloc (09022015). Collection method: clinical testing. Allele origin: germline.
Comment: In summary, the available evidence is currently insufficient to determine the role of this variant in disease. Therefore, it has been classified as a Variant of Uncertain Significance. This sequence change replaces glycine, which is neutral and non-polar, with arginine, which is basic and polar, at codon 136 of the MAX protein (p.Gly136Arg). An algorithm developed to predict the effect of missense changes on protein structure and function (PolyPhen-2) suggests that this variant is likely to be disruptive. ClinVar contains an entry for this variant (Variation ID: 1518007). This variant has not been reported in the literature in individuals affected with MAX-related conditions. This variant is not present in population databases (gnomAD no frequency).